The following is an entry in ClinVar:

NM_000448.3(RAG1):c.1366del (p.Ala456fs)

Gene: RAG1 (recombination activating 1; plus strand). Cytogenetic location: 11p12.
Variant type: Deletion.
Coding change: c.1366del on transcript NM_000448.3 (MANE Select); coding-DNA position 1366, one base deleted (G; older notation c.1366delG).
Protein change: p.Ala456fs; shifts the reading frame from alanine 456.
Molecular consequence: frameshift variant.
Genome position (GRCh38, 1-based): chr11:36,574,670, G deleted; the last of 2 consecutive G bases (chr11:36,574,669-36,574,670); deleting either gives the same sequence. VCF-style (leftmost placement, unchanged base first): chr11-36574668-AG-A. GRCh37 (hg19) VCF-style: chr11-36596218-AG-A.
Other names: c.1366del, p.Ala456fs (NM_001377277.1, NM_001377278.1, NM_001377279.1 and 1 more transcripts); short protein forms A456fs.
Identifiers: ClinVar variation 2095853 (VCV002095853.6), dbSNP rs1417654713, ClinGen allele CA598865151.

ClinVar aggregate classification (germline): Pathogenic/Likely pathogenic. Review status: criteria provided, multiple submitters, no conflicts (2 of 4 stars). 3 submissions from 3 submitters: Pathogenic (1); Likely pathogenic (2). Last evaluated 2024-02-24.

Conditions:
Combined immunodeficiency with skin granulomas. Identifiers: Orphanet 157949, MedGen C2673536, MONDO:0009306, OMIM 233650.
Severe combined immunodeficiency, autosomal recessive, T cell-negative, B cell-negative, NK cell-positive. Also called: SCID, AR, T-cell negative, B-cell negative, NK cell-positive; Severe combined immunodeficiency due to complete RAG1/2 deficiency; SCID, T CELL-NEGATIVE, B CELL-NEGATIVE, NK CELL-POSITIVE. Identifiers: Orphanet 331206, MedGen C1832322, MONDO:0011086, OMIM 601457.
Combined immunodeficiency due to partial RAG1 deficiency. Identifiers: Orphanet 231154, MedGen C1835931, MONDO:0012359, OMIM 609889.

Submissions (3):

Labcorp Genetics (formerly Invitae), Labcorp
Classification: Pathogenic for Combined immunodeficiency with skin granulomas; Severe combined immunodeficiency, autosomal recessive, T cell-negative, B cell-negative, NK cell-positive. Last evaluated: 2024-02-24. Review status: criteria provided, single submitter. Criteria: Invitae Variant Classification Sherloc (09022015). Collection method: clinical testing. Allele origin: germline.
Comment: This sequence change creates a premature translational stop signal (p.Ala456Profs*36) in the RAG1 gene. While this is not anticipated to result in nonsense mediated decay, it is expected to disrupt the last 588 amino acid(s) of the RAG1 protein. This variant is present in population databases (no rsID available, gnomAD 0.0009%). This variant has not been reported in the literature in individuals affected with RAG1-related conditions. ClinVar contains an entry for this variant (Variation ID: 2095853). This variant disrupts a region of the RAG1 protein in which other variant(s) (p.Trp959*) have been determined to be pathogenic (PMID: 11133745, 24290284, 24406074). This suggests that this is a clinically significant region of the protein, and that variants that disrupt it are likely to be disease-causing. For these reasons, this variant has been classified as Pathogenic.

Department of Human Genetics, Hannover Medical School
Classification: Likely pathogenic for Severe combined immunodeficiency, autosomal recessive, T cell-negative, B cell-negative, NK cell-positive. Last evaluated: 2024-02-13. Review status: criteria provided, single submitter. Criteria: ACMG Guidelines, 2015. Collection method: clinical testing. Allele origin: germline. Affected: yes.

Baylor Genetics
Classification: Likely pathogenic for Combined immunodeficiency due to partial RAG1 deficiency. Last evaluated: 2022-06-27. Review status: criteria provided, single submitter. Criteria: ACMG Guidelines, 2015. Collection method: clinical testing. Allele origin: unknown.

Literature cited by the submitters: PubMed 11133745 (cited by Labcorp Genetics (formerly Invitae), Labcorp); PubMed 24290284 (cited by Labcorp Genetics (formerly Invitae), Labcorp); PubMed 24406074 (cited by Labcorp Genetics (formerly Invitae), Labcorp).